The following is an entry in ClinVar:

ClinVar aggregate classification (germline): Uncertain significance (1 of 4 stars; one submission).

Submission:

Labcorp Genetics (formerly Invitae), Labcorp
Classification: Uncertain significance. Last evaluated: 2024-04-22. Review status: criteria provided, single submitter. Criteria: Invitae Variant Classification Sherloc (09022015). Collection method: clinical testing. Allele origin: germline.
Comment: This sequence change replaces isoleucine, which is neutral and non-polar, with valine, which is neutral and non-polar, at codon 586 of the MYSM1 protein (p.Ile586Val). This variant is not present in population databases (gnomAD no frequency). This variant has not been reported in the literature in individuals affected with MYSM1-related conditions. Advanced modeling of protein sequence and biophysical properties (such as structural, functional, and spatial information, amino acid conservation, physicochemical variation, residue mobility, and thermodynamic stability) performed at Invitae indicates that this missense variant is not expected to disrupt MYSM1 protein function with a negative predictive value of 80%. In summary, the available evidence is currently insufficient to determine the role of this variant in disease. Therefore, it has been classified as a Variant of Uncertain Significance.

NM_001085487.3(MYSM1):c.1756A>G (p.Ile586Val)

Gene: MYSM1 (Myb like, SWIRM and MPN domains 1; minus strand). Cytogenetic location: 1p32.1.
Variant type: single nucleotide variant.
Coding change: c.1756A>G on transcript NM_001085487.3 (MANE Select); coding-DNA position 1756, A replaced by G.
Protein change: p.Ile586Val; replaces isoleucine 586 with valine.
Molecular consequence: missense variant.
Genome position (GRCh38, 1-based): chr1:58,668,643, T>C on the plus strand (A>G on the coding strand, the complement: MYSM1 is on the minus strand). VCF-style: chr1-58668643-T-C. GRCh37 (hg19) VCF-style: chr1-59134315-T-C.
Other names: short protein forms I586V.
Identifiers: ClinVar variation 2702976 (VCV002702976.3), dbSNP rs2524186824, ClinGen allele CA340519876.